The following is an entry in ClinVar:

ClinVar aggregate classification (germline): Pathogenic/Likely pathogenic. Review status: criteria provided, multiple submitters, no conflicts (2 of 4 stars). 4 submissions from 4 submitters: Pathogenic (3); Likely pathogenic (1). Last evaluated 2026-06-18.

Conditions:
Aortic valve disease 2 (AOVD2). Identifiers: MedGen C3542024, MONDO:0013902, OMIM 614823.
Radioulnar synostosis, nonsyndromic, susceptibility to. Identifiers: MedGen C5241445, MONDO:0100183, OMIM 179300.
Radioulnar synostosis. Also called: Congenital radioulnar synostosis. Identifiers: Orphanet 3269, MedGen C0158761, MONDO:0017985, HP:0002974.

Allele frequency attached by ClinVar (database versions not stated): TOPMed below 0.00001; gnomAD exomes below 0.00001.

Submissions (4):

GeneDx
Classification: Likely pathogenic. Last evaluated: 2026-06-18. Review status: criteria provided, single submitter. Criteria: GeneDx Variant Classification Process June 2021. Collection method: clinical testing. Allele origin: germline.
Comment: Identified in a patient with severe coarctation of the aorta, radioulnar synostosis, facial features of Coffin Siris syndrome, and Dandy-Walker malformation in the published literature; however this individual also harbored a variant in the SMARCA4 gene, which is associated with Coffin-Siris syndrome (PMID: 36049609); Identified in a cohort of products of conception samples undergoing exome sequencing; Not observed at significant frequency in large population cohorts (gnomAD); Nonsense variant predicted to result in protein truncation or nonsense mediated decay in a gene for which loss of function is a known mechanism of disease; This variant is associated with the following publications: (PMID: 33100332, 36049609)

Labcorp Genetics (formerly Invitae), Labcorp
Classification: Pathogenic for Aortic valve disease 2. Last evaluated: 2026-01-05. Review status: criteria provided, single submitter. Criteria: Invitae Variant Classification Sherloc (09022015). Collection method: clinical testing. Allele origin: germline.
Comment: This sequence change creates a premature translational stop signal (p.Gln218*) in the SMAD6 gene. It is expected to result in an absent or disrupted protein product. Loss-of-function variants in SMAD6 are known to be pathogenic (PMID: 28659821, 31138930, 32499606, 34953066). This variant is not present in population databases (gnomAD no frequency). This premature translational stop signal has been observed in individual(s) with SMAD6-related conditions (PMID: 36049609). ClinVar contains an entry for this variant (Variation ID: 1342165). For these reasons, this variant has been classified as Pathogenic.

Genomic Medicine Center of Excellence, King Faisal Specialist Hospital and Research Centre
Classification: Pathogenic for Radioulnar synostosis, nonsyndromic, susceptibility to. Last evaluated: 2024-12-19. Review status: criteria provided, single submitter. Criteria: ACMG Guidelines, 2015. Collection method: clinical testing. Allele origin: germline.

Center of Excellence for Medical Genomics, Chulalongkorn University
Classification: Pathogenic for Aortic valve disease 2; Radioulnar synostosis, nonsyndromic, susceptibility to. Review status: criteria provided, single submitter. Criteria: ACMG Guidelines, 2015. Collection method: clinical testing. Allele origin: de novo. Inheritance: Autosomal dominant inheritance. Affected: yes. Observed: 1 heterozygote.

Literature cited by the submitters: PubMed 28659821 (cited by Labcorp Genetics (formerly Invitae), Labcorp); PubMed 31138930 (cited by Labcorp Genetics (formerly Invitae), Labcorp); PubMed 32499606 (cited by Labcorp Genetics (formerly Invitae), Labcorp); PubMed 34953066 (cited by Labcorp Genetics (formerly Invitae), Labcorp); PubMed 36049609 (cited by Labcorp Genetics (formerly Invitae), Labcorp).

NM_005585.5(SMAD6):c.652C>T (p.Gln218Ter)

Gene: SMAD6 (SMAD family member 6; plus strand). Cytogenetic location: 15q22.31.
Variant type: single nucleotide variant.
Coding change: c.652C>T on transcript NM_005585.5 (MANE Select); coding-DNA position 652, C replaced by T.
Protein change: p.Gln218Ter; replaces glutamine 218 with a stop codon.
Molecular consequence: nonsense. On other transcripts: non-coding transcript variant (1).
Genome position (GRCh38, 1-based): chr15:66,703,910, C>T. VCF-style: chr15-66703910-C-T. GRCh37 (hg19) VCF-style: chr15-66996248-C-T.
Other names: c.652C>T (NM_005585.4); short protein forms Q218*.
Identifiers: ClinVar variation 1342165 (VCV001342165.13), dbSNP rs1196005021, ClinGen allele CA392949972.
Genomic context (GRCh38, chr15:66,703,910, plus strand): 5'-CGCGGCGGCGTGCCGGGCGGCTGCGTGCTGGTGCCGCGCGCCGACCTCCGCCTGGGCGGC[C>T]AGCCCGCGCCGCCGCAGCTGCTGCTCGGCCGCCTCTTTCGCTGGCCCGACCTGCAGCACG-3'